The following is an entry in ClinVar:

NM_007215.4(POLG2):c.541C>G (p.Leu181Val)

Genes: MILR1 (mast cell immunoglobulin like receptor 1; plus strand), POLG2 (DNA polymerase gamma 2, accessory subunit; minus strand). Cytogenetic location: 17q23.3.
Variant type: single nucleotide variant.
Coding change: c.541C>G on transcript NM_007215.4 (MANE Select); coding-DNA position 541, C replaced by G.
Protein change: p.Leu181Val; replaces leucine 181 with valine.
Molecular consequence: missense variant.
Genome position (GRCh38, 1-based): chr17:64,496,428, G>C on the plus strand (C>G on the coding strand, the complement: POLG2 is on the minus strand). VCF-style: chr17-64496428-G-C. GRCh37 (hg19) VCF-style: chr17-62492546-G-C.
Other names: short protein forms L181V.
Identifiers: ClinVar variation 3602537 (VCV003602537.1).

ClinVar aggregate classification (germline): Uncertain significance (1 of 4 stars; one submission).

Submission:

GeneDx
Classification: Uncertain significance. Last evaluated: 2024-07-31. Review status: criteria provided, single submitter. Criteria: GeneDx Variant Classification Process June 2021. Collection method: clinical testing. Allele origin: germline. Affected: yes.
Comment: Not observed at significant frequency in large population cohorts (gnomAD); In silico analysis indicates that this missense variant does not alter protein structure/function; Has not been previously published as pathogenic or benign to our knowledge